The following is an entry in ClinVar:

NM_015338.6(ASXL1):c.2593G>A (p.Glu865Lys)

Gene: ASXL1 (ASXL transcriptional regulator 1; plus strand). Cytogenetic location: 20q11.21.
Variant type: single nucleotide variant.
Coding change: c.2593G>A on transcript NM_015338.6 (MANE Select); coding-DNA position 2593, G replaced by A.
Protein change: p.Glu865Lys; replaces glutamic acid 865 with lysine.
Molecular consequence: missense variant.
Genome position (GRCh38, 1-based): chr20:32,435,305, G>A. VCF-style: chr20-32435305-G-A. GRCh37 (hg19) VCF-style: chr20-31023108-G-A.
Other names: c.2410G>A, p.Glu804Lys (NM_001363734.1); short protein forms E804K, E865K.
Identifiers: ClinVar variation 1208605 (VCV001208605.40), dbSNP rs147895689, ClinGen allele CA9808659.

ClinVar aggregate classification (germline): Benign/Likely benign. Review status: criteria provided, multiple submitters, no conflicts (2 of 4 stars). 7 submissions from 7 submitters: Benign (2); Likely benign (5). Last evaluated 2025-11-24.

Conditions:
Inborn genetic diseases. Identifiers: MedGen C0950123, MeSH D030342.
Bohring-Opitz syndrome. Also called: OPITZ TRIGONOCEPHALY-LIKE SYNDROME; C-LIKE SYNDROME; BOHRING SYNDROME; ASXL1-Related Bohring-Opitz Syndrome. Identifiers: Orphanet 97297, MedGen C0796232, MONDO:0011510, OMIM 605039.

Allele frequency attached by ClinVar (database versions not stated): gnomAD 0.00015 and 0.00016; ExAC 0.00016; TOPMed 0.00019; ESP Exome Variant Server 0.00023.

Submissions (7):

Labcorp Genetics (formerly Invitae), Labcorp
Classification: Benign. Last evaluated: 2025-11-24. Review status: criteria provided, single submitter. Criteria: Invitae Variant Classification Sherloc (09022015). Collection method: clinical testing. Allele origin: germline.

CeGaT Center for Human Genetics Tuebingen
Classification: Likely benign. Last evaluated: 2025-09-01. Review status: criteria provided, single submitter. Criteria: CeGaT Center For Human Genetics Tuebingen Variant Classification Criteria Version 2. Collection method: clinical testing. Allele origin: germline. Affected: yes. Observed: 2 variant alleles.
Comment: ASXL1: BP4, BS1

Laboratory of Genetics, Children's Clinical University Hospital Latvia
Classification: Likely benign. Last evaluated: 2025-02-16. Review status: criteria provided, single submitter. Criteria: ACMG Guidelines, 2015. Collection method: clinical testing. Allele origin: germline. Affected: yes.

Ambry Genetics
Classification: Likely benign for Inborn genetic diseases. Last evaluated: 2024-10-15. Review status: criteria provided, single submitter. Criteria: Ambry Variant Classification Scheme 2023. Collection method: clinical testing. Allele origin: germline.

Blueprint Genetics
Classification: Likely benign. Last evaluated: 2024-10-14. Review status: criteria provided, single submitter. Criteria: ACMG Guidelines, 2015. Collection method: clinical testing. Allele origin: germline.

Genome-Nilou Lab
Classification: Benign for Bohring-Opitz syndrome. Last evaluated: 2021-12-05. Review status: criteria provided, single submitter. Criteria: ACMG Guidelines, 2015. Collection method: clinical testing. Allele origin: germline. Affected: no.

GeneDx
Classification: Likely benign. Last evaluated: 2020-12-09. Review status: criteria provided, single submitter. Criteria: GeneDx Variant Classification Process June 2021. Collection method: clinical testing. Allele origin: germline. Affected: yes.
Comment: This variant is associated with the following publications: (PMID: 23952244)